The following is an entry in ClinVar:

NM_002294.3(LAMP2):c.614_615del (p.Val205fs)

Gene: LAMP2 (lysosome associated membrane protein 2; minus strand). Cytogenetic location: Xq24.
Variant type: Microsatellite.
Coding change: c.614_615del on transcript NM_002294.3 (MANE Select); coding-DNA positions 614 to 615, 2 bases deleted (TG; older notation c.614_615delTG).
Protein change: p.Val205fs; shifts the reading frame from valine 205.
Molecular consequence: frameshift variant.
Genome position (GRCh38, 1-based): chrX:120,447,967-120,447,968, CA deleted on the plus strand (TG on the coding strand, the reverse complement: LAMP2 is on the minus strand); deleting any 2 consecutive bases within chrX:120,447,967-120,447,970 gives the same sequence; the c. name uses the placement nearest the transcript's 3' end. VCF-style (leftmost placement, unchanged base first): chrX-120447966-GCA-G. GRCh37 (hg19) VCF-style: chrX-119581821-GCA-G.
Other names: c.614_615del, p.Val205fs (NM_001122606.1, NM_013995.2); short protein forms V205fs.
Identifiers: ClinVar variation 1029437 (VCV001029437.1), dbSNP rs2058605108, ClinGen allele CA2454872837.

ClinVar aggregate classification (germline): Pathogenic (1 of 4 stars; one submission).

Conditions:
Danon disease. Also called: PSEUDOGLYCOGENOSIS II; GSD IIb; LYSOSOMAL GLYCOGEN STORAGE DISEASE WITHOUT ACID MALTASE DEFICIENCY; ANTOPOL DISEASE; Glycogen Storage Disease Type IIb. Identifiers: Orphanet 34587, MedGen C0878677, MONDO:0010281, OMIM 300257.

Submission:

Baylor Genetics
Classification: Pathogenic for Danon disease. Last evaluated: 2019-02-14. Review status: criteria provided, single submitter. Criteria: ACMG Guidelines, 2015. Collection method: clinical testing. Allele origin: de novo. Affected: yes.
Comment: This variant was determined to be pathogenic according to ACMG Guidelines, 2015 [PMID:25741868].